The following is an entry in ClinVar:

ClinVar aggregate classification (germline): Uncertain significance (1 of 4 stars; one submission).

Conditions:
TAF1-related disorder. Also called: TAF1-related condition.

Allele frequency attached by ClinVar (database versions not stated): gnomAD exomes below 0.00001.

Submission:

PreventionGenetics, part of Exact Sciences
Classification: Uncertain significance for TAF1-related condition. Last evaluated: 2025-08-19. Review status: criteria provided, single submitter. Criteria: ACMG Guidelines, 2015. Collection method: clinical testing. Allele origin: germline.
Comment: The TAF1 c.5082G>A variant is predicted to result in the amino acid substitution p.Met1694Ile. To our knowledge, this variant has not been reported in the literature or in a large population database (gnomAD), indicating this variant is rare. At this time, the clinical significance of this variant is uncertain due to the absence of conclusive functional and genetic evidence.

NM_004606.5(TAF1):c.5016G>A (p.Met1672Ile)

Gene: TAF1 (TATA-box binding protein associated factor 1; plus strand). Cytogenetic location: Xq13.1.
Variant type: single nucleotide variant.
Coding change: c.5016G>A on transcript NM_004606.5 (MANE Select); coding-DNA position 5016, G replaced by A.
Protein change: p.Met1672Ile; replaces methionine 1672 with isoleucine.
Molecular consequence: missense variant. On other transcripts: non-coding transcript variant (9).
Genome position (GRCh38, 1-based): chrX:71,458,318, G>A. VCF-style: chrX-71458318-G-A. GRCh37 (hg19) VCF-style: chrX-70678168-G-A.
Other names: c.5022G>A, p.Met1674Ile (NM_001286074.2); c.4953G>A, p.Met1651Ile (NM_138923.4); short protein forms M1651I, M1672I, M1674I.
Identifiers: ClinVar variation 2635138 (VCV002635138.2), dbSNP rs1020915271, ClinGen allele CA331022643.
Genomic context (GRCh38, chrX:71,458,318, plus strand): 5'-TACCAACACATCCCTCAGTATGTCTCGAGATGCCTCTGTATTTCAAGATGAGAGCAATAT[G>A]TCTGTCTTGGATATTCCCAGTGCCACTCCAGAAAAGCAGGTAACACAGGTAGGATGTTCT-3'
Protein context (NP_004597.3, residues 1662-1682): DASVFQDESN[Met1672Ile]SVLDIPSATP